The following is an entry in ClinVar:

ClinVar aggregate classification (germline): Likely pathogenic (1 of 4 stars; one submission).

Conditions:
Hypertrophic cardiomyopathy 4. Also called: Familial hypertrophic cardiomyopathy 4. Identifiers: MedGen C1861862, MONDO:0007268, OMIM 115197.

Submission:

Neuberg Centre For Genomic Medicine, NCGM
Classification: Likely pathogenic for Hypertrophic cardiomyopathy 4. Last evaluated: 2023-05-20. Review status: criteria provided, single submitter. Criteria: ACMG Guidelines, 2015. Collection method: clinical testing. Allele origin: germline. Inheritance: Autosomal dominant inheritance. Affected: yes.
Comment: The observed frameshift c.3158_3159del (p.Glu1053GlyfsTer11) variant in MYBPC3 gene has not been reported previously as a pathogenic variant nor as a benign variant, to our knowledge. The p.Glu1053GlyfsTer11 variant is absent in gnomAD Exomes. This variant has not been submitted to the ClinVar database. This variant causes a frameshift starting with codon Glutamic Acid 1053, changes this amino acid to Glycine residue, and creates a premature Stop codon at position 11 of the new reading frame, denoted p.Glu1053GlyfsTer11. This variant is predicted to cause loss of normal protein function through protein truncation. Loss of function variants have been previously reported to be disease causing. For these reasons, this variant has been classified as Likely Pathogenic.

NM_000256.3(MYBPC3):c.3158_3159del (p.Glu1053fs)

Gene: MYBPC3 (myosin binding protein C3; minus strand). Cytogenetic location: 11p11.2.
Variant type: Deletion.
Coding change: c.3158_3159del on transcript NM_000256.3 (MANE Select); coding-DNA positions 3158 to 3159, 2 bases deleted (AG; older notation c.3158_3159delAG).
Protein change: p.Glu1053fs; shifts the reading frame from glutamic acid 1053.
Molecular consequence: frameshift variant.
Genome position (GRCh38, 1-based): chr11:47,333,588-47,333,589, CT deleted on the plus strand (AG on the coding strand, the reverse complement: MYBPC3 is on the minus strand); deleting any 2 consecutive bases within chr11:47,333,588-47,333,590 gives the same sequence; the c. name uses the placement nearest the transcript's 3' end. VCF-style (leftmost placement, unchanged base first): chr11-47333587-CCT-C. GRCh37 (hg19) VCF-style: chr11-47355138-CCT-C.
Other names: short protein forms E1053fs.
Identifiers: ClinVar variation 3341466 (VCV003341466.1).